The following is an entry in ClinVar:

ClinVar aggregate classification (germline): Uncertain significance. Review status: criteria provided, multiple submitters, no conflicts (2 of 4 stars). 2 submissions from 2 submitters: Uncertain significance (2). Last evaluated 2025-11-04.

Allele frequency attached by ClinVar (database versions not stated): gnomAD exomes 0.00001 and 0.00004; TOPMed 0.00005; ExAC 0.00001; gnomAD 0.00001.
gnomAD v4.1: 65 of 1,612,178 alleles (0.004%); highest among the groups gnomAD compares: Non-Finnish European, 0.0049%; no homozygotes.

Submissions (2):

Labcorp Genetics (formerly Invitae), Labcorp
Classification: Uncertain significance. Last evaluated: 2025-11-04. Review status: criteria provided, single submitter. Criteria: Invitae Variant Classification Sherloc (09022015). Collection method: clinical testing. Allele origin: germline.
Comment: This sequence change replaces threonine, which is neutral and polar, with methionine, which is neutral and non-polar, at codon 239 of the OPN1SW protein (p.Thr239Met). This variant is present in population databases (rs777541057, gnomAD 0.006%). This variant has not been reported in the literature in individuals affected with OPN1SW-related conditions. ClinVar contains an entry for this variant (Variation ID: 999120). An algorithm developed to predict the effect of missense changes on protein structure and function (PolyPhen-2) suggests that this variant is likely to be disruptive. In summary, the available evidence is currently insufficient to determine the role of this variant in disease. Therefore, it has been classified as a Variant of Uncertain Significance.

Ambry Genetics
Classification: Uncertain significance. Last evaluated: 2022-07-12. Review status: criteria provided, single submitter. Criteria: Ambry Variant Classification Scheme 2023. Collection method: clinical testing. Allele origin: germline.

NM_001385125.1(OPN1SW):c.707C>T (p.Thr236Met)

Gene: OPN1SW (opsin 1, short wave sensitive; minus strand). Cytogenetic location: 7q32.1.
Variant type: single nucleotide variant.
Coding change: c.707C>T on transcript NM_001385125.1 (MANE Select); coding-DNA position 707, C replaced by T.
Protein change: p.Thr236Met; replaces threonine 236 with methionine.
Molecular consequence: missense variant.
Genome position (GRCh38, 1-based): chr7:128,773,860, G>A on the plus strand (C>T on the coding strand, the complement: OPN1SW is on the minus strand). VCF-style: chr7-128773860-G-A. GRCh37 (hg19) VCF-style: chr7-128413914-G-A.
Other names: NM_001708.2:c.716C>T; short protein forms T236M.
Identifiers: ClinVar variation 999120 (VCV000999120.10), dbSNP rs777541057, ClinGen allele CA4472848.